The following is an entry in ClinVar:

NM_001401501.2(MUC16):c.3214T>A (p.Ser1072Thr)

Gene: MUC16 (mucin 16, cell surface associated; minus strand). Cytogenetic location: 19p13.2.
Variant type: single nucleotide variant.
Coding change: c.3214T>A on transcript NM_001401501.2 (MANE Select); coding-DNA position 3214, T replaced by A.
Protein change: p.Ser1072Thr; replaces serine 1072 with threonine.
Molecular consequence: missense variant.
Genome position (GRCh38, 1-based): chr19:8,978,045, A>T on the plus strand (T>A on the coding strand, the complement: MUC16 is on the minus strand). VCF-style: chr19-8978045-A-T. GRCh37 (hg19) VCF-style: chr19-9088721-A-T.
Other names: c.3640T>A, p.Ser1214Thr (NM_001414686.1); c.3094T>A, p.Ser1032Thr (NM_001414687.1, NM_024690.2); short protein forms S1032T, S1072T, S1214T.
Identifiers: ClinVar variation 781437 (VCV000781437.6), dbSNP rs10411228, ClinGen allele CA9173087.

ClinVar aggregate classification (germline): Benign. Review status: criteria provided, multiple submitters, no conflicts (2 of 4 stars). 3 submissions from 3 submitters: Benign (2). 1 of the submissions does not count toward it. Last evaluated 2018-08-14.

Conditions:
MUC16-related disorder. Also called: MUC16-related condition.

Allele frequency attached by ClinVar (database versions not stated): gnomAD 0.02182 and 0.02335; gnomAD exomes 0.00570 and 0.00238; ExAC 0.00689; TOPMed 0.02468; ESP Exome Variant Server 0.02275; 1000 Genomes Project 0.02256.

Submissions (3):

Labcorp Genetics (formerly Invitae), Labcorp
Classification: Benign. Last evaluated: 2018-08-14. Review status: criteria provided, single submitter. Criteria: Invitae Variant Classification Sherloc (09022015). Collection method: clinical testing. Allele origin: germline.

Breakthrough Genomics
Classification: Benign. Review status: criteria provided, single submitter. Criteria: ACMG Guidelines, 2015. Collection method: not provided. Allele origin: germline. Inheritance: Unknown mechanism. Affected: yes.

PreventionGenetics, part of Exact Sciences
Classification: Benign for MUC16-related condition. Last evaluated: 2019-10-01. Review status: no assertion criteria provided. Collection method: clinical testing. Allele origin: germline. Not counted in ClinVar's aggregate classification.
Comment: This variant is classified as benign based on ACMG/AMP sequence variant interpretation guidelines (Richards et al. 2015 PMID: 25741868, with internal and published modifications).